The following is an entry in ClinVar:

NM_133433.4(NIPBL):c.7697A>G (p.Lys2566Arg)

Gene: NIPBL (NIPBL cohesin loading factor; plus strand). Cytogenetic location: 5p13.2.
Variant type: single nucleotide variant.
Coding change: c.7697A>G on transcript NM_133433.4 (MANE Select); coding-DNA position 7697, A replaced by G.
Protein change: p.Lys2566Arg; replaces lysine 2566 with arginine.
Molecular consequence: missense variant.
Genome position (GRCh38, 1-based): chr5:37,060,855, A>G. VCF-style: chr5-37060855-A-G. GRCh37 (hg19) VCF-style: chr5-37060957-A-G.
Other names: c.7697A>G, p.Lys2566Arg (NM_015384.5); short protein forms K2566R.
Identifiers: ClinVar variation 804315 (VCV000804315.3), dbSNP rs1216631170, ClinGen allele CA359518249.

ClinVar aggregate classification (germline): Likely benign (1 of 4 stars; one submission).

Conditions:
De Lange syndrome (CDLS). Also called: CDL; Cornelia de Lange syndrome. Identifiers: Orphanet 199, MedGen C0270972, MONDO:0016033.

Allele frequency attached by ClinVar (database versions not stated): gnomAD exomes below 0.00001.
gnomAD v4.1: 2 of 1,613,284 alleles (0.00012%); highest among the groups gnomAD compares: Admixed American, 0.0017%; no homozygotes.

Submission:

Institute of Human Genetics, University of Goettingen
Classification: Likely benign for Cornelia de Lange syndrome. Last evaluated: 2019-12-12. Review status: criteria provided, single submitter. Criteria: ACMG Guidelines, 2015. Collection method: clinical testing. Allele origin: unknown. Inheritance: Autosomal dominant inheritance. Affected: yes. Observed: 1 heterozygote.
Comment: The c.7697A>G NIPBL-variant (p.Lys2566Arg) is found at a relatively low frequency (gnomAD & ExAC population frequency <0.001 %) within the general population but has a pathogenic computational verdict due to 7 pathogenic predictions from DANN, EIGEN, FATHMM-MKL, M-CAP, MVP, MutationTaster and PrimateAI vs 3 benign predictions from DEOGEN2, MutationAssessor, and SIFT. The nucleotide and amino acid are highly conserved. Thus, we consider this variant a rare benign polymorphism.